The following is an entry in ClinVar:

ClinVar aggregate classification (germline): Conflicting classifications of pathogenicity. Review status: criteria provided, conflicting classifications (1 of 4 stars). 8 submissions from 8 submitters: Uncertain significance (5); Likely benign (2). 1 of the submissions does not count toward it. Last evaluated 2025-07-15.

Conditions:
Chédiak-Higashi syndrome (CHS). Also called: Chediak-Higashi Syndrome. Identifiers: Orphanet 167, MedGen C0007965, MONDO:0008963, OMIM 214500.

Allele frequency attached by ClinVar (database versions not stated): ExAC 0.00018; gnomAD 0.00019 and 0.00021; gnomAD exomes 0.00021 and 0.00039; TOPMed 0.00026; ESP Exome Variant Server 0.00038.
gnomAD v4.1: 594 of 1,613,646 alleles (0.037%); highest among the groups gnomAD compares: Non-Finnish European, 0.047%; no homozygotes.

Submissions (8):

Mayo Clinic Laboratories, Mayo Clinic
Classification: Uncertain significance. Last evaluated: 2025-07-15. Review status: criteria provided, single submitter. Criteria: ACMG Guidelines, 2015. Collection method: clinical testing. Allele origin: germline. Observed: 2 variant alleles.
Comment: BP4_moderate

Blueprint Genetics
Classification: Likely benign. Last evaluated: 2024-11-13. Review status: criteria provided, single submitter. Criteria: ACMG Guidelines, 2015. Collection method: clinical testing. Allele origin: germline.

Women's Health and Genetics/Laboratory Corporation of America, LabCorp
Classification: Uncertain significance. Last evaluated: 2024-01-18. Review status: criteria provided, single submitter. Criteria: LabCorp Variant Classification Summary - May 2015. Collection method: clinical testing. Allele origin: germline.
Comment: Variant summary: LYST c.3898A>G (p.Ile1300Val) results in a conservative amino acid change in the encoded protein sequence. Five of five in-silico tools predict a benign effect of the variant on protein function. The variant allele was found at a frequency of 0.00021 in 250752 control chromosomes (gnomAD). This frequency is not significantly higher than estimated for a pathogenic variant in LYST causing Chediak-Higashi Syndrome (0.00021 vs 0.0011), allowing no conclusion about variant significance. c.3898A>G has been reported in the literature in individuals affected with multiple sclerosis, but the variant was also identified in healthy controls (e.g., Traboulsee_2017). These report(s) do not provide unequivocal conclusions about association of the variant with Chediak-Higashi Syndrome. To our knowledge, no experimental evidence demonstrating an impact on protein function has been reported. The following publication was ascertained in the context of this evaluation (PMID: 28337550). ClinVar contains an entry for this variant (Variation ID: 296399). Based on the evidence outlined above, the variant was classified as uncertain significance.

Labcorp Genetics (formerly Invitae), Labcorp
Classification: Uncertain significance for Chédiak-Higashi syndrome. Last evaluated: 2022-10-13. Review status: criteria provided, single submitter. Criteria: Invitae Variant Classification Sherloc (09022015). Collection method: clinical testing. Allele origin: germline.
Comment: This sequence change replaces isoleucine, which is neutral and non-polar, with valine, which is neutral and non-polar, at codon 1300 of the LYST protein (p.Ile1300Val). This variant is present in population databases (rs199855658, gnomAD 0.04%). This variant has not been reported in the literature in individuals affected with LYST-related conditions. ClinVar contains an entry for this variant (Variation ID: 296399). Advanced modeling of protein sequence and biophysical properties (such as structural, functional, and spatial information, amino acid conservation, physicochemical variation, residue mobility, and thermodynamic stability) performed at Invitae indicates that this missense variant is not expected to disrupt LYST protein function. In summary, the available evidence is currently insufficient to determine the role of this variant in disease. Therefore, it has been classified as a Variant of Uncertain Significance.

Revvity Omics, Revvity
Classification: Uncertain significance for Chédiak-Higashi syndrome. Last evaluated: 2019-10-25. Review status: criteria provided, single submitter. Criteria: ACMG Guidelines, 2015. Collection method: clinical testing. Allele origin: germline.

Illumina Laboratory Services, Illumina
Classification: Uncertain significance for Chédiak-Higashi syndrome. Last evaluated: 2018-01-12. Review status: criteria provided, single submitter. Criteria: ICSL Variant Classification Criteria 13 December 2019. Collection method: clinical testing. Allele origin: germline.

Clinical Genetics DNA and cytogenetics Diagnostics Lab, Erasmus MC, Erasmus Medical Center
Classification: Likely benign for Chédiak-Higashi syndrome. Last evaluated: 2016-10-12. Review status: criteria provided, single submitter. Criteria: ACGS Guidelines, 2013. Collection method: clinical testing. Allele origin: germline. Affected: yes. Study: VKGL Data-share Consensus.

Clinical Genetics, Academic Medical Center
Classification: Likely benign. Review status: no assertion criteria provided. Collection method: clinical testing. Allele origin: germline. Affected: yes. Study: VKGL Data-share Consensus. Not counted in ClinVar's aggregate classification.

Literature cited by the submitters: PubMed 28337550 (cited by Women's Health and Genetics/Laboratory Corporation of America, LabCorp).

NM_000081.4(LYST):c.3898A>G (p.Ile1300Val)

Gene: LYST (lysosomal trafficking regulator; minus strand). Cytogenetic location: 1q42.3.
Variant type: single nucleotide variant.
Coding change: c.3898A>G on transcript NM_000081.4 (MANE Select); coding-DNA position 3898, A replaced by G.
Protein change: p.Ile1300Val; replaces isoleucine 1300 with valine.
Molecular consequence: missense variant.
Genome position (GRCh38, 1-based): chr1:235,800,912, T>C on the plus strand (A>G on the coding strand, the complement: LYST is on the minus strand). VCF-style: chr1-235800912-T-C. GRCh37 (hg19) VCF-style: chr1-235964212-T-C.
Other names: p.Ile1300Val; c.3898A>G, p.Ile1300Val (NM_001301365.1); short protein forms I1300V.
Identifiers: ClinVar variation 296399 (VCV000296399.18), dbSNP rs199855658, ClinGen allele CA1466975.
Genomic context (GRCh38, chr1:235,800,912, plus strand): 5'-AACTAAATGAATTTTTTACCTGTTGCATGAGCAGAAAAACATTCTTTTCTTTCTGCCTAA[T>C]AATTTTCAAAAAACTCTCAAATACATGGGCAAGCACATCAAGTTTGGCTTTACTAGCAGA-3'
Protein context (NP_000072.2, residues 1290-1310): AHVFESFLKI[Ile1300Val]RQKEKNVFLL